The following is an entry in ClinVar:

ClinVar aggregate classification (germline): Uncertain significance (1 of 4 stars; one submission).

Conditions:
Hyper-IgM syndrome type 5 (HIGM5). Also called: Hyper-IgM Immunodeficiency Syndrome, Type 5. Identifiers: Orphanet 101092, MedGen C1720958, MONDO:0011971, OMIM 608106.

Allele frequency attached by ClinVar (database versions not stated): gnomAD exomes below 0.00001; ExAC 0.00001.
gnomAD v4.1: 2 of 1,614,120 alleles (0.00012%); highest among the groups gnomAD compares: Non-Finnish European, 0.00017%; no homozygotes.

Submission:

Labcorp Genetics (formerly Invitae), Labcorp
Classification: Uncertain significance for Hyper-IgM syndrome type 5. Last evaluated: 2019-10-03. Review status: criteria provided, single submitter. Criteria: Invitae Variant Classification Sherloc (09022015). Collection method: clinical testing. Allele origin: germline.
Comment: This sequence change replaces cysteine with glycine at codon 290 of the UNG protein (p.Cys290Gly). The cysteine residue is highly conserved and there is a large physicochemical difference between cysteine and glycine. This variant is present in population databases (rs749817306, ExAC 0.001%). This variant has not been reported in the literature in individuals with UNG-related conditions. Algorithms developed to predict the effect of missense changes on protein structure and function are either unavailable or do not agree on the potential impact of this missense change (SIFT: "Deleterious"; PolyPhen-2: "Probably Damaging"; Align-GVGD: "Class C0"). In summary, the available evidence is currently insufficient to determine the role of this variant in disease. Therefore, it has been classified as a Variant of Uncertain Significance.

NM_080911.3(UNG):c.868T>G (p.Cys290Gly)

Gene: UNG (uracil DNA glycosylase; plus strand). Cytogenetic location: 12q24.11.
Variant type: single nucleotide variant.
Coding change: c.868T>G on transcript NM_080911.3 (MANE Select); coding-DNA position 868, T replaced by G.
Protein change: p.Cys290Gly; replaces cysteine 290 with glycine.
Molecular consequence: missense variant.
Genome position (GRCh38, 1-based): chr12:109,109,895, T>G. VCF-style: chr12-109109895-T-G. GRCh37 (hg19) VCF-style: chr12-109547700-T-G.
Other names: c.841T>G, p.Cys281Gly (NM_003362.4); short protein forms C290G, C281G.
Identifiers: ClinVar variation 968675 (VCV000968675.1), dbSNP rs749817306, ClinGen allele CA6772815.